The following is an entry in ClinVar:

ClinVar aggregate classification (germline): Pathogenic (1 of 4 stars; one submission).

Submission:

Labcorp Genetics (formerly Invitae), Labcorp
Classification: Pathogenic. Last evaluated: 2023-02-22. Review status: criteria provided, single submitter. Criteria: Invitae Variant Classification Sherloc (09022015). Collection method: clinical testing. Allele origin: germline.
Comment: For these reasons, this variant has been classified as Pathogenic. This variant disrupts a region of the TSHR protein in which other variant(s) (p.Leu653Val) have been determined to be pathogenic (PMID: 17456567, 19240155). This suggests that this is a clinically significant region of the protein, and that variants that disrupt it are likely to be disease-causing. This variant has not been reported in the literature in individuals affected with TSHR-related conditions. This variant is not present in population databases (gnomAD no frequency). This sequence change creates a premature translational stop signal (p.Val448*) in the TSHR gene. While this is not anticipated to result in nonsense mediated decay, it is expected to disrupt the last 317 amino acid(s) of the TSHR protein.

Literature cited by the submitters: PubMed 17456567; PubMed 19240155.

NM_000369.5(TSHR):c.1337_1341dup (p.Val448Ter)

Genes: TSHR (thyroid stimulating hormone receptor; plus strand), TSHR-AS1 (TSHR antisense RNA 1; minus strand). Cytogenetic location: 14q31.1.
Variant type: Duplication.
Coding change: c.1337_1341dup on transcript NM_000369.5 (MANE Select); coding-DNA positions 1337 to 1341, 5 bases duplicated (TGAAC; older notation c.1337_1341dupTGAAC).
Protein change: p.Val448Ter; replaces valine 448 with a stop codon.
Molecular consequence: nonsense.
Genome position (GRCh38, 1-based): chr14:81,143,395-81,143,399, TGAAC duplicated; duplicating any 5 consecutive bases within chr14:81,143,392-81,143,399 gives the same sequence; the c. name uses the placement nearest the transcript's 3' end. VCF-style (leftmost placement, unchanged base first): chr14-81143391-A-AAACTG. GRCh37 (hg19) VCF-style: chr14-81609735-A-AAACTG.
Other names: short protein forms V448*.
Identifiers: ClinVar variation 2839940 (VCV002839940.3), dbSNP rs2503942069, ClinGen allele CA2739280042.